The following is an entry in ClinVar:

NM_032578.4(MYPN):c.2095G>A (p.Ala699Thr)

Gene: MYPN (myopalladin; plus strand). Cytogenetic location: 10q21.3.
Variant type: single nucleotide variant.
Coding change: c.2095G>A on transcript NM_032578.4 (MANE Select); coding-DNA position 2095, G replaced by A.
Protein change: p.Ala699Thr; replaces alanine 699 with threonine.
Molecular consequence: missense variant. On other transcripts: non-coding transcript variant (2).
Genome position (GRCh38, 1-based): chr10:68,174,187, G>A. VCF-style: chr10-68174187-G-A. GRCh37 (hg19) VCF-style: chr10-69933944-G-A.
Other names: c.2095G>A, p.Ala699Thr (NM_001256267.2); c.1213G>A, p.Ala405Thr (NM_001256268.2); c.2095G>A (NM_032578.2); short protein forms A699T, A405T.
Identifiers: ClinVar variation 1353829 (VCV001353829.8), dbSNP rs1386715407, ClinGen allele CA376844482.

ClinVar aggregate classification (germline): Uncertain significance. Review status: criteria provided, multiple submitters, no conflicts (2 of 4 stars). 3 submissions from 3 submitters: Uncertain significance (3). Last evaluated 2023-01-07.

Conditions:
Dilated cardiomyopathy 1KK (CMD1KK). Identifiers: Orphanet 154, Orphanet 75249, MedGen C3714995, MONDO:0014100, OMIM 615248.
MYPN-related myopathy (CMYO24). Also called: Nemaline myopathy 11, autosomal recessive. Identifiers: MedGen C4479186, MONDO:0015023, OMIM 617336.
Cardiovascular phenotype. Identifiers: MedGen CN230736.

Allele frequency attached by ClinVar (database versions not stated): gnomAD exomes below 0.00001; gnomAD 0.00001.

Submissions (3):

Ambry Genetics
Classification: Uncertain significance for Cardiovascular phenotype. Last evaluated: 2023-01-07. Review status: criteria provided, single submitter. Criteria: Ambry Variant Classification Scheme 2023. Collection method: clinical testing. Allele origin: germline.
Comment: The p.A699T variant (also known as c.2095G>A), located in coding exon 10 of the MYPN gene, results from a G to A substitution at nucleotide position 2095. The alanine at codon 699 is replaced by threonine, an amino acid with similar properties. This amino acid position is conserved. In addition, this alteration is predicted to be tolerated by in silico analysis. Since supporting evidence is limited at this time, the clinical significance of this alteration remains unclear.

Fulgent Genetics
Classification: Uncertain significance for Dilated cardiomyopathy 1KK; MYPN-related myopathy. Last evaluated: 2021-10-13. Review status: criteria provided, single submitter. Criteria: ACMG Guidelines, 2015. Collection method: clinical testing. Allele origin: unknown.

Labcorp Genetics (formerly Invitae), Labcorp
Classification: Uncertain significance for Dilated cardiomyopathy 1KK. Last evaluated: 2021-08-19. Review status: criteria provided, single submitter. Criteria: Invitae Variant Classification Sherloc (09022015). Collection method: clinical testing. Allele origin: germline.
Comment: In summary, the available evidence is currently insufficient to determine the role of this variant in disease. Therefore, it has been classified as a Variant of Uncertain Significance. Algorithms developed to predict the effect of missense changes on protein structure and function output the following: SIFT: "Tolerated"; PolyPhen-2: "Benign"; Align-GVGD: "Class C0". The threonine amino acid residue is found in multiple mammalian species, which suggests that this missense change does not adversely affect protein function. This variant has not been reported in the literature in individuals affected with MYPN-related conditions. This variant is not present in population databases (ExAC no frequency). This sequence change replaces alanine with threonine at codon 699 of the MYPN protein (p.Ala699Thr). The alanine residue is weakly conserved and there is a small physicochemical difference between alanine and threonine.